The following is an entry in ClinVar:

ClinVar aggregate classification (germline): Likely pathogenic. Review status: criteria provided, multiple submitters, no conflicts (2 of 4 stars). 4 submissions from 4 submitters: Likely pathogenic (2). 2 of the submissions do not count toward it. Last evaluated 2025-10-21.

Conditions:
Tuberous sclerosis syndrome (TSC). Also called: Tuberous Sclerosis Complex; Tuberous sclerosis. Identifiers: Orphanet 805, MedGen C0041341, MONDO:0001734.
Tuberous sclerosis 1 (TSC1). Identifiers: Orphanet 805, MedGen C1854465, MONDO:0008612, OMIM 191100.

Submissions (4):

NHS Central & South Genomic Laboratory Hub
Classification: Likely pathogenic for Tuberous sclerosis. Last evaluated: 2025-10-21. Review status: criteria provided, single submitter. Criteria: ACMG Guidelines, 2015. Collection method: clinical testing. Allele origin: germline. Affected: yes.

Labcorp Genetics (formerly Invitae), Labcorp
Classification: Likely pathogenic for Tuberous sclerosis 1. Last evaluated: 2020-11-25. Review status: criteria provided, single submitter. Criteria: Invitae Variant Classification Sherloc (09022015). Collection method: clinical testing. Allele origin: germline.
Comment: This sequence change replaces methionine with arginine at codon 224 of the TSC1 protein (p.Met224Arg). The methionine residue is moderately conserved and there is a moderate physicochemical difference between methionine and arginine. In summary, the currently available evidence indicates that the variant is pathogenic, but additional data are needed to prove that conclusively. Therefore, this variant has been classified as Likely Pathogenic. This variant has been reported to affect TSC1 protein function (PMID: 18830229, 21309039, 20547222). This variant has been observed in individuals and families affected with tuberous sclerosis complex (PMID: 18830229, Invitae). ClinVar contains an entry for this variant (Variation ID: 5104). This variant is not present in population databases (ExAC no frequency).

OMIM
Classification: Pathogenic for TUBEROUS SCLEROSIS 1. Last evaluated: 2009-03-01. Review status: no assertion criteria provided. Collection method: literature only. Allele origin: germline. Not counted in ClinVar's aggregate classification.

Tuberous sclerosis database (TSC1)
No classification provided. Condition: TSC. Review status: no classification provided. Criteria: Tuberous Sclerosis Database Assertion Criteria 2015. Collection method: curation. Allele origin: germline. Affected: yes. Not counted in ClinVar's aggregate classification.

Literature cited by the submitters: PubMed 18830229 (cited by Labcorp Genetics (formerly Invitae), Labcorp and OMIM); PubMed 21309039 (cited by Labcorp Genetics (formerly Invitae), Labcorp); PubMed 20547222 (cited by Labcorp Genetics (formerly Invitae), Labcorp).

NM_000368.5(TSC1):c.671T>G (p.Met224Arg)

Gene: TSC1 (TSC complex subunit 1; minus strand). Cytogenetic location: 9q34.13.
Variant type: single nucleotide variant.
Coding change: c.671T>G on transcript NM_000368.5 (MANE Select); coding-DNA position 671, T replaced by G.
Protein change: p.Met224Arg; replaces methionine 224 with arginine.
Molecular consequence: missense variant.
Genome position (GRCh38, 1-based): chr9:132,921,429, A>C on the plus strand (T>G on the coding strand, the complement: TSC1 is on the minus strand). VCF-style: chr9-132921429-A-C. GRCh37 (hg19) VCF-style: chr9-135796816-A-C.
Other names: c.671T>G, p.Met224Arg (NM_001162426.2); c.518T>G, p.Met173Arg (NM_001162427.2); c.308T>G, p.Met103Arg (NM_001362177.2); short protein forms M224R, M103R, M173R.
Identifiers: ClinVar variation 5104 (VCV000005104.10), dbSNP rs118203426, ClinGen allele CA008014.
Genomic context (GRCh38, chr9:132,921,429, plus strand): 5'-GGGTCCAGTTCATGGTCCTTGGATCCAGTCACTAATTCCGGATGAATTCGCACATGCTCC[A>C]TCATTGGCTAGAAGAGTTGGGTTGACAAATTATAAAGGGCTGAATGTTTGTGGAACATCC-3'
Protein context (NP_000359.1, residues 214-234): ETFEEVVKPM[Met224Arg]EHVRIHPELV